The following is an entry in ClinVar:

NM_001318510.2(ACSL4):c.556T>C (p.Tyr186His)

Gene: ACSL4 (acyl-CoA synthetase long chain family member 4; minus strand). Cytogenetic location: Xq23.
Variant type: single nucleotide variant.
Coding change: c.556T>C on transcript NM_001318510.2 (MANE Select); coding-DNA position 556, T replaced by C.
Protein change: p.Tyr186His; replaces tyrosine 186 with histidine.
Molecular consequence: missense variant.
Genome position (GRCh38, 1-based): chrX:109,681,097, A>G on the plus strand (T>C on the coding strand, the complement: ACSL4 is on the minus strand). VCF-style: chrX-109681097-A-G. GRCh37 (hg19) VCF-style: chrX-108924326-A-G.
Other names: c.679T>C, p.Tyr227His (NM_001318509.2, NM_022977.3); c.556T>C, p.Tyr186His (NM_004458.3); short protein forms Y186H, Y227H.
Identifiers: ClinVar variation 383011 (VCV000383011.2), dbSNP rs748410870, ClinGen allele CA10491158.

ClinVar aggregate classification (germline): Uncertain significance (1 of 4 stars; one submission).

Allele frequency attached by ClinVar (database versions not stated): gnomAD exomes below 0.00001 and 0.00001; ExAC 0.00001; TOPMed 0.00002.

Submission:

GeneDx
Classification: Uncertain significance. Last evaluated: 2016-10-21. Review status: criteria provided, single submitter. Criteria: GeneDx Variant Classification (06012015). Collection method: clinical testing. Allele origin: germline. Affected: yes.
Comment: The Y186H variant in the ACSL4 gene has not been reported previously as a pathogenic variant, nor as a benign variant, to our knowledge. The ACSL4 variant was not observed in approximately 6,500 individuals of European and African American ancestry in the NHLBI Exome Sequencing Project, indicating it is not a common benign variant in these populations. The Y186H variant is a non-conservative amino acid substitution, which is likely to impact secondary protein structure as these residues differ in polarity, charge, size and/or other properties. This substitution occurs at a position that is conserved across species. In silico analysis is inconsistent in its predictions as to whether or not the variant is damaging to the protein structure/function. We interpret Y186H as a variant of uncertain significance.